The following is an entry in ClinVar:

ClinVar aggregate classification (germline): Uncertain significance (1 of 4 stars; one submission).

Allele frequency attached by ClinVar (database versions not stated): TOPMed 0.00001.

Submission:

Labcorp Genetics (formerly Invitae), Labcorp
Classification: Uncertain significance. Last evaluated: 2021-11-22. Review status: criteria provided, single submitter. Criteria: Invitae Variant Classification Sherloc (09022015). Collection method: clinical testing. Allele origin: germline.
Comment: This sequence change replaces methionine, which is neutral and non-polar, with isoleucine, which is neutral and non-polar, at codon 59 of the ORC6 protein (p.Met59Ile). This variant is not present in population databases (gnomAD no frequency). This variant has not been reported in the literature in individuals affected with ORC6-related conditions. Algorithms developed to predict the effect of missense changes on protein structure and function (SIFT, PolyPhen-2, Align-GVGD) all suggest that this variant is likely to be tolerated. In summary, the available evidence is currently insufficient to determine the role of this variant in disease. Therefore, it has been classified as a Variant of Uncertain Significance.

NM_014321.4(ORC6):c.177G>T (p.Met59Ile)

Gene: ORC6 (origin recognition complex subunit 6; plus strand). Cytogenetic location: 16q11.2.
Variant type: single nucleotide variant.
Coding change: c.177G>T on transcript NM_014321.4 (MANE Select); coding-DNA position 177, G replaced by T.
Protein change: p.Met59Ile; replaces methionine 59 with isoleucine.
Molecular consequence: missense variant. On other transcripts: non-coding transcript variant (1).
Genome position (GRCh38, 1-based): chr16:46,691,102, G>T. VCF-style: chr16-46691102-G-T. GRCh37 (hg19) VCF-style: chr16-46725014-G-T.
Other names: short protein forms M59I.
Identifiers: ClinVar variation 1495166 (VCV001495166.3), dbSNP rs1299136815, ClinGen allele CA395818143.
Genomic context (GRCh38, chr16:46,691,102, plus strand): 5'-CGCACGCACCACGGAGACCAGCAGTGCAGTCATGTGCCTGGACCTTGCAGCTTCCTGGAT[G>T]AAGTGCCCCTTGGACAGGGTAAGTAGGTCCCACCGAATGTCTGAATAATCCAGTGCAACA-3'
Protein context (NP_055136.1, residues 49-69): VMCLDLAASW[Met59Ile]KCPLDRAYLI